The following is an entry in ClinVar:

ClinVar aggregate classification (germline): Uncertain significance. Review status: criteria provided, multiple submitters, no conflicts (2 of 4 stars). 2 submissions from 2 submitters: Uncertain significance (2). Last evaluated 2023-05-24.

Conditions:
Inborn genetic diseases. Identifiers: MedGen C0950123, MeSH D030342.

Submissions (2):

Ambry Genetics
Classification: Uncertain significance for Inborn genetic diseases. Last evaluated: 2023-05-24. Review status: criteria provided, single submitter. Criteria: Ambry Variant Classification Scheme 2023. Collection method: clinical testing. Allele origin: germline.

Labcorp Genetics (formerly Invitae), Labcorp
Classification: Uncertain significance. Last evaluated: 2022-04-25. Review status: criteria provided, single submitter. Criteria: Invitae Variant Classification Sherloc (09022015). Collection method: clinical testing. Allele origin: germline.
Comment: This sequence change replaces valine, which is neutral and non-polar, with leucine, which is neutral and non-polar, at codon 218 of the CYP24A1 protein (p.Val218Leu). This variant is present in population databases (rs372063233, gnomAD 0.004%). This variant has not been reported in the literature in individuals affected with CYP24A1-related conditions. Advanced modeling of protein sequence and biophysical properties (such as structural, functional, and spatial information, amino acid conservation, physicochemical variation, residue mobility, and thermodynamic stability) performed at Invitae indicates that this missense variant is not expected to disrupt CYP24A1 protein function. In summary, the available evidence is currently insufficient to determine the role of this variant in disease. Therefore, it has been classified as a Variant of Uncertain Significance.

NM_000782.5(CYP24A1):c.652G>T (p.Val218Leu)

Gene: CYP24A1 (cytochrome P450 family 24 subfamily A member 1; minus strand). Cytogenetic location: 20q13.2.
Variant type: single nucleotide variant.
Coding change: c.652G>T on transcript NM_000782.5 (MANE Select); coding-DNA position 652, G replaced by T.
Protein change: p.Val218Leu; replaces valine 218 with leucine.
Molecular consequence: missense variant.
Genome position (GRCh38, 1-based): chr20:54,165,822, C>A on the plus strand (G>T on the coding strand, the complement: CYP24A1 is on the minus strand). VCF-style: chr20-54165822-C-A. GRCh37 (hg19) VCF-style: chr20-52782361-C-A.
Other names: c.652G>T, p.Val218Leu (NM_001128915.2); c.652G>T (NM_000782.4); short protein forms V218L.
Identifiers: ClinVar variation 2067418 (VCV002067418.3), dbSNP rs372063233, ClinGen allele CA9916052.